The following is an entry in ClinVar:

NM_000521.4(HEXB):c.1667T>C (p.Met556Thr)

Gene: HEXB (hexosaminidase subunit beta; plus strand). Cytogenetic location: 5q13.3.
Variant type: single nucleotide variant.
Coding change: c.1667T>C on transcript NM_000521.4 (MANE Select); coding-DNA position 1667, T replaced by C.
Protein change: p.Met556Thr; replaces methionine 556 with threonine.
Molecular consequence: missense variant.
Genome position (GRCh38, 1-based): chr5:74,721,171, T>C. VCF-style: chr5-74721171-T-C. GRCh37 (hg19) VCF-style: chr5-74016996-T-C.
Other names: p.Met556Thr; c.992T>C, p.Met331Thr (NM_001292004.2); short protein forms M331T, M556T.
Identifiers: ClinVar variation 809771 (VCV000809771.57), dbSNP rs140627230, ClinGen allele CA3306250.

ClinVar aggregate classification (germline): Conflicting classifications of pathogenicity. Review status: criteria provided, conflicting classifications (1 of 4 stars). 7 submissions from 7 submitters: Uncertain significance (4); Likely benign (2). 1 of the submissions does not count toward it. Last evaluated 2025-12-01.

Conditions:
HEXB-related disorder. Also called: HEXB-related condition.
Sandhoff disease. Also called: Beta-hexosaminidase-beta-subunit deficiency; GM2 gangliosidosis, type 2; Total hexosaminidase deficiency; Sandhoff-Jatzkewitz-Pilz disease; GM2-GANGLIOSIDOSIS, TYPE II; HEXOSAMINIDASES A AND B DEFICIENCY. Identifiers: Orphanet 796, MedGen C0036161, MONDO:0010006, OMIM 268800.

Allele frequency attached by ClinVar (database versions not stated): ExAC 0.00015; ESP Exome Variant Server 0.00015; gnomAD 0.00015 and 0.00016; gnomAD exomes 0.00015 and 0.00020; TOPMed 0.00017.
gnomAD v4.1: 240 of 1,612,534 alleles (0.015%); highest among the groups gnomAD compares: Middle Eastern, 0.016%; no homozygotes.

Submissions (7):

Labcorp Genetics (formerly Invitae), Labcorp
Classification: Likely benign for Sandhoff disease. Last evaluated: 2025-12-01. Review status: criteria provided, single submitter. Criteria: Invitae Variant Classification Sherloc (09022015). Collection method: clinical testing. Allele origin: germline.

Blueprint Genetics
Classification: Likely benign. Last evaluated: 2024-09-19. Review status: criteria provided, single submitter. Criteria: ACMG Guidelines, 2015. Collection method: clinical testing. Allele origin: germline.

GeneDx
Classification: Uncertain significance. Last evaluated: 2024-08-21. Review status: criteria provided, single submitter. Criteria: GeneDx Variant Classification Process June 2021. Collection method: clinical testing. Allele origin: germline. Affected: yes.
Comment: In silico analysis indicates that this missense variant does not alter protein structure/function; Has not been previously published as pathogenic or benign to our knowledge

Mayo Clinic Laboratories, Mayo Clinic
Classification: Uncertain significance. Last evaluated: 2023-05-04. Review status: criteria provided, single submitter. Criteria: ACMG Guidelines, 2015. Collection method: clinical testing. Allele origin: germline. Observed: 1 variant allele.

CeGaT Center for Human Genetics Tuebingen
Classification: Uncertain significance. Last evaluated: 2019-02-01. Review status: criteria provided, single submitter. Criteria: CeGaT Center For Human Genetics Tuebingen Variant Classification Criteria Version 2. Collection method: clinical testing. Allele origin: germline. Affected: yes. Observed: 1 variant allele.

Illumina Laboratory Services, Illumina
Classification: Uncertain significance for Sandhoff disease. Last evaluated: 2017-04-27. Review status: criteria provided, single submitter. Criteria: ICSL Variant Classification Criteria 13 December 2019. Collection method: clinical testing. Allele origin: germline.

PreventionGenetics, part of Exact Sciences
Classification: Uncertain significance for HEXB-related condition. Last evaluated: 2024-07-28. Review status: no assertion criteria provided. Collection method: clinical testing. Allele origin: germline. Not counted in ClinVar's aggregate classification.
Comment: The HEXB c.1667T>C variant is predicted to result in the amino acid substitution p.Met556Thr. To our knowledge, this variant has not been reported in the literature. This variant is reported in 0.14% of alleles in individuals of Ashkenazi Jewish descent in gnomAD. Although we suspect that this variant may be benign, at this time, the clinical significance of this variant is uncertain due to the absence of conclusive functional and genetic evidence.